The following is an entry in ClinVar:

NM_006904.7(PRKDC):c.3088G>A (p.Gly1030Ser)

Gene: PRKDC (protein kinase, DNA-activated, catalytic subunit; minus strand). Cytogenetic location: 8q11.21.
Variant type: single nucleotide variant.
Coding change: c.3088G>A on transcript NM_006904.7 (MANE Select); coding-DNA position 3088, G replaced by A.
Protein change: p.Gly1030Ser; replaces glycine 1030 with serine.
Molecular consequence: missense variant.
Genome position (GRCh38, 1-based): chr8:47,902,750, C>T on the plus strand (G>A on the coding strand, the complement: PRKDC is on the minus strand). VCF-style: chr8-47902750-C-T. GRCh37 (hg19) VCF-style: chr8-48815310-C-T.
Other names: c.3088G>A, p.Gly1030Ser (NM_001081640.2); short protein forms G1030S.
Identifiers: ClinVar variation 1993256 (VCV001993256.4), dbSNP rs2551875597, ClinGen allele CA371157064.
Genomic context (GRCh38, chr8:47,902,750, plus strand): 5'-CCTGCTGCTGTGGTGTTATTTGCTTAATGGACCATTTAAGGAATTCTCGAATACACCGAC[C>T]ACAAAAATCTCTTAAAGTACTGTCAACAGGGTCCACAATTCCATCCTGAAACAAAACAAA-3'
Protein context (NP_008835.5, residues 1020-1040): PVDSTLRDFC[Gly1030Ser]RCIREFLKWS

ClinVar aggregate classification (germline): Uncertain significance (1 of 4 stars; one submission).

Conditions:
Severe combined immunodeficiency due to DNA-PKcs deficiency. Also called: IMMUNODEFICIENCY 26 WITH NEUROLOGIC ABNORMALITIES; Immunodeficiency 26 with or without neurologic abnormalities. Identifiers: Orphanet 317425, MedGen C4014833, MONDO:0014423, OMIM 615966.

Allele frequency attached by ClinVar (database versions not stated): gnomAD exomes below 0.00001.
gnomAD v4.1: 3 of 1,613,492 alleles (0.00019%); highest among the groups gnomAD compares: African/African-American, 0.004%; no homozygotes.

Submission:

Labcorp Genetics (formerly Invitae), Labcorp
Classification: Uncertain significance for Severe combined immunodeficiency due to DNA-PKcs deficiency. Last evaluated: 2022-05-12. Review status: criteria provided, single submitter. Criteria: Invitae Variant Classification Sherloc (09022015). Collection method: clinical testing. Allele origin: germline.
Comment: In summary, the available evidence is currently insufficient to determine the role of this variant in disease. Therefore, it has been classified as a Variant of Uncertain Significance. Experimental studies and prediction algorithms are not available or were not evaluated, and the functional significance of this variant is currently unknown. This variant has not been reported in the literature in individuals affected with PRKDC-related conditions. This variant is not present in population databases (gnomAD no frequency). This sequence change replaces glycine, which is neutral and non-polar, with serine, which is neutral and polar, at codon 1030 of the PRKDC protein (p.Gly1030Ser).